The following is an entry in ClinVar:

ClinVar aggregate classification (germline): Uncertain significance (1 of 4 stars; one submission).

gnomAD v4.1: 1 of 1,613,734 alleles (0.000062%); highest among the groups gnomAD compares: Admixed American, 0.0017%; no homozygotes.

Submission:

Labcorp Genetics (formerly Invitae), Labcorp
Classification: Uncertain significance. Last evaluated: 2024-11-05. Review status: criteria provided, single submitter. Criteria: Invitae Variant Classification Sherloc (09022015). Collection method: clinical testing. Allele origin: germline.
Comment: This sequence change replaces threonine, which is neutral and polar, with isoleucine, which is neutral and non-polar, at codon 1744 of the VCAN protein (p.Thr1744Ile). This variant is not present in population databases (gnomAD no frequency). This variant has not been reported in the literature in individuals affected with VCAN-related conditions. ClinVar contains an entry for this variant (Variation ID: 1399327). An algorithm developed to predict the effect of missense changes on protein structure and function (PolyPhen-2) suggests that this variant is likely to be disruptive. In summary, the available evidence is currently insufficient to determine the role of this variant in disease. Therefore, it has been classified as a Variant of Uncertain Significance.

NM_004385.5(VCAN):c.5231C>T (p.Thr1744Ile)

Genes: VCAN (versican; plus strand), VCAN-AS1 (VCAN antisense RNA 1; minus strand). Cytogenetic location: 5q14.3.
Variant type: single nucleotide variant.
Coding change: c.5231C>T on transcript NM_004385.5 (MANE Select); coding-DNA position 5231, C replaced by T.
Protein change: p.Thr1744Ile; replaces threonine 1744 with isoleucine.
Molecular consequence: missense variant. On other transcripts: intron variant (2).
Genome position (GRCh38, 1-based): chr5:83,538,234, C>T. VCF-style: chr5-83538234-C-T. GRCh37 (hg19) VCF-style: chr5-82834053-C-T.
Other names: c.2270C>T, p.Thr757Ile (NM_001164097.2); c.4004-7303C>T (NM_001164098.2); c.1043-7303C>T (NM_001126336.3); short protein forms T1744I, T757I.
Identifiers: ClinVar variation 1399327 (VCV001399327.8), dbSNP rs561638583, ClinGen allele CA121809315.